The following is an entry in ClinVar:

NM_004380.3(CREBBP):c.5423G>A (p.Cys1808Tyr)

Gene: CREBBP (CREB binding lysine acetyltransferase; minus strand). Cytogenetic location: 16p13.3.
Variant type: single nucleotide variant.
Coding change: c.5423G>A on transcript NM_004380.3 (MANE Select); coding-DNA position 5423, G replaced by A.
Protein change: p.Cys1808Tyr; replaces cysteine 1808 with tyrosine.
Molecular consequence: missense variant.
Genome position (GRCh38, 1-based): chr16:3,729,624, C>T on the plus strand (G>A on the coding strand, the complement: CREBBP is on the minus strand). VCF-style: chr16-3729624-C-T. GRCh37 (hg19) VCF-style: chr16-3779625-C-T.
Other names: c.5309G>A, p.Cys1770Tyr (NM_001079846.1); short protein forms C1770Y, C1808Y.
Identifiers: ClinVar variation 4985658 (VCV004985658.1).

ClinVar aggregate classification (germline): Uncertain significance (1 of 4 stars; one submission).

Conditions:
CREBBP-related disorder. Also called: CREBBP-related disorders; CREBBP-related condition.

Submission:

PreventionGenetics, part of Exact Sciences
Classification: Uncertain significance for CREBBP-related condition. Last evaluated: 2026-07-27. Review status: criteria provided, single submitter. Criteria: ACMG Guidelines, 2015. Collection method: clinical testing. Allele origin: germline.
Comment: The CREBBP c.5423G>A variant is predicted to result in the amino acid substitution p.Cys1808Tyr. To our knowledge, this variant has not been reported in the literature or in a large population database (gnomAD), indicating this variant is rare. At this time, the clinical significance of this variant is uncertain due to the absence of conclusive functional and genetic evidence.